The following is an entry in ClinVar:

ClinVar aggregate classification (germline): Uncertain significance. Review status: criteria provided, multiple submitters, no conflicts (2 of 4 stars). 2 submissions from 2 submitters: Uncertain significance (2). Last evaluated 2023-03-01.

Conditions:
Inborn genetic diseases. Identifiers: MedGen C0950123, MeSH D030342.
Muscular dystrophy-dystroglycanopathy (congenital with brain and eye anomalies), type a, 11 (MDDGA11). Also called: WALKER-WARBURG SYNDROME OR MUSCLE-EYE-BRAIN DISEASE, B3GALNT2-RELATED; Muscular dystrophy-dystroglycanopathy (congenital with brain and eye anomalies, type A, 11; Congenital muscular dystrophy-dystroglycanopathy with brain and eye anomalies, type A11. Identifiers: Orphanet 588, Orphanet 899, MedGen C3554638, MONDO:0014071, OMIM 615181.

gnomAD v4.1: 36 of 1,610,042 alleles (0.0022%); highest among the groups gnomAD compares: South Asian, 0.04%; no homozygotes.

Submissions (2):

Ambry Genetics
Classification: Uncertain significance for Inborn genetic diseases. Last evaluated: 2023-03-01. Review status: criteria provided, single submitter. Criteria: Ambry Variant Classification Scheme 2023. Collection method: clinical testing. Allele origin: germline.

Labcorp Genetics (formerly Invitae), Labcorp
Classification: Uncertain significance for Muscular dystrophy-dystroglycanopathy (congenital with brain and eye anomalies), type a, 11. Last evaluated: 2022-08-09. Review status: criteria provided, single submitter. Criteria: Invitae Variant Classification Sherloc (09022015). Collection method: clinical testing. Allele origin: germline.
Comment: In summary, the available evidence is currently insufficient to determine the role of this variant in disease. Therefore, it has been classified as a Variant of Uncertain Significance. Algorithms developed to predict the effect of sequence changes on RNA splicing suggest that this variant may disrupt the consensus splice site. Algorithms developed to predict the effect of missense changes on protein structure and function are either unavailable or do not agree on the potential impact of this missense change (SIFT: "Deleterious"; PolyPhen-2: "Benign"; Align-GVGD: "Class C0"). ClinVar contains an entry for this variant (Variation ID: 473883). This variant has not been reported in the literature in individuals affected with B3GALNT2-related conditions. This variant is present in population databases (rs747653180, gnomAD 0.03%). This sequence change replaces arginine, which is basic and polar, with glycine, which is neutral and non-polar, at codon 87 of the B3GALNT2 protein (p.Arg87Gly).

NM_152490.5(B3GALNT2):c.259C>G (p.Arg87Gly)

Gene: B3GALNT2 (beta-1,3-N-acetylgalactosaminyltransferase 2; minus strand). Cytogenetic location: 1q42.3.
Variant type: single nucleotide variant.
Coding change: c.259C>G on transcript NM_152490.5 (MANE Select); coding-DNA position 259, C replaced by G.
Protein change: p.Arg87Gly; replaces arginine 87 with glycine.
Molecular consequence: missense variant.
Genome position (GRCh38, 1-based): chr1:235,494,682, G>C on the plus strand (C>G on the coding strand, the complement: B3GALNT2 is on the minus strand). VCF-style: chr1-235494682-G-C. GRCh37 (hg19) VCF-style: chr1-235657992-G-C.
Other names: c.382C>G, p.Arg128Gly (NM_001277155.3); c.259C>G (NM_152490.2); short protein forms R87G, R128G.
Identifiers: ClinVar variation 473883 (VCV000473883.5), dbSNP rs747653180, ClinGen allele CA1464976.